The following is an entry in ClinVar:

NM_024422.6(DSC2):c.1794T>A (p.Asp598Glu)

Gene: DSC2 (desmocollin 2; minus strand). Cytogenetic location: 18q12.1.
Variant type: single nucleotide variant.
Coding change: c.1794T>A on transcript NM_024422.6 (MANE Select); coding-DNA position 1794, T replaced by A.
Protein change: p.Asp598Glu; replaces aspartic acid 598 with glutamic acid.
Molecular consequence: missense variant.
Genome position (GRCh38, 1-based): chr18:31,074,777, A>T on the plus strand (T>A on the coding strand, the complement: DSC2 is on the minus strand). VCF-style: chr18-31074777-A-T. GRCh37 (hg19) VCF-style: chr18-28654743-A-T.
Other names: c.1365T>A, p.Asp455Glu (NM_001406506.1, NM_001406507.1); c.1794T>A, p.Asp598Glu (NM_004949.5); short protein forms D598E, D455E.
Identifiers: ClinVar variation 3683558 (VCV003683558.2).

ClinVar aggregate classification (germline): Uncertain significance (1 of 4 stars; one submission).

Conditions:
Arrhythmogenic right ventricular dysplasia 11. Also called: ARRHYTHMOGENIC RIGHT VENTRICULAR DYSPLASIA, FAMILIAL, 11; Arrhythmogenic Right Ventricular Dysplasia/Cardiomyopathy11; Arrhythmogenic right ventricular dysplasia 11 with mild palmoplantar keratoderma and woolly hair. Identifiers: MedGen C1864850, MONDO:0012506, OMIM 610476.

Submission:

Labcorp Genetics (formerly Invitae), Labcorp
Classification: Uncertain significance for Arrhythmogenic right ventricular dysplasia 11. Last evaluated: 2025-12-09. Review status: criteria provided, single submitter. Criteria: Invitae Variant Classification Sherloc (09022015). Collection method: clinical testing. Allele origin: germline.
Comment: This sequence change replaces aspartic acid, which is acidic and polar, with glutamic acid, which is acidic and polar, at codon 598 of the DSC2 protein (p.Asp598Glu). This variant is not present in population databases (gnomAD no frequency). This variant has not been reported in the literature in individuals affected with DSC2-related conditions. ClinVar contains an entry for this variant (Variation ID: 3683558). Invitae Evidence Modeling of protein sequence and biophysical properties (such as structural, functional, and spatial information, amino acid conservation, physicochemical variation, residue mobility, and thermodynamic stability) indicates that this missense variant is expected to disrupt DSC2 protein function with a positive predictive value of 80%. In summary, the available evidence is currently insufficient to determine the role of this variant in disease. Therefore, it has been classified as a Variant of Uncertain Significance.